The following is an entry in ClinVar:

NM_000435.3(NOTCH3):c.1140T>C (p.Pro380=)

Gene: NOTCH3 (notch receptor 3; minus strand). Cytogenetic location: 19p13.12.
Variant type: single nucleotide variant.
Coding change: c.1140T>C on transcript NM_000435.3 (MANE Select); coding-DNA position 1140, T replaced by C.
Protein change: p.Pro380=; no amino-acid change (proline 380 retained).
Molecular consequence: synonymous variant.
Genome position (GRCh38, 1-based): chr19:15,189,325, A>G on the plus strand (T>C on the coding strand, the complement: NOTCH3 is on the minus strand). VCF-style: chr19-15189325-A-G. GRCh37 (hg19) VCF-style: chr19-15300136-A-G.
Other names: p.Pro380=.
Identifiers: ClinVar variation 256117 (VCV000256117.31), dbSNP rs61749020, ClinGen allele CA9263709.

ClinVar aggregate classification (germline): Benign/Likely benign. Review status: criteria provided, multiple submitters, no conflicts (2 of 4 stars). 11 submissions from 11 submitters: Benign (6); Likely benign (2). 3 of the submissions do not count toward it. Last evaluated 2026-02-03.

Conditions:
Cerebral arteriopathy, autosomal dominant, with subcortical infarcts and leukoencephalopathy, type 1 (CADASIL1). Also called: CADASIL 1; CASIL; Cerebral arteriopathy with subcortical infarcts and leukoencephalopathy 1; DEMENTIA, HEREDITARY MULTIINFARCT TYPE. Identifiers: Orphanet 136, MedGen C4551768, MONDO:0000914, OMIM 125310.

Allele frequency attached by ClinVar (database versions not stated): 1000 Genomes Project 0.01518; 1000 Genomes Project 30x 0.01608; gnomAD 0.02545; ExAC 0.02557; gnomAD exomes 0.02649; TOPMed 0.02826; ESP Exome Variant Server 0.03152.
gnomAD v4.1: 45,959 of 1,614,002 alleles (2.8%); highest among the groups gnomAD compares: Middle Eastern, 5.7%; 862 homozygotes.

Submissions (11):

Labcorp Genetics (formerly Invitae), Labcorp
Classification: Benign. Last evaluated: 2026-02-03. Review status: criteria provided, single submitter. Criteria: Invitae Variant Classification Sherloc (09022015). Collection method: clinical testing. Allele origin: germline.

Athena Diagnostics
Classification: Benign. Last evaluated: 2025-06-18. Review status: criteria provided, single submitter. Criteria: Athena Diagnostics Criteria. Collection method: clinical testing. Allele origin: unknown.
Comment: The frequency of this variant in the general population is higher than would generally be expected for pathogenic variants in this gene. Computational tools yielded predictions that this variant is unlikely to have an effect on normal RNA splicing. This nucleotide position exhibits low evolutionary conservation.

Mayo Clinic Laboratories, Mayo Clinic
Classification: Benign. Last evaluated: 2023-06-26. Review status: criteria provided, single submitter. Criteria: ACMG Guidelines, 2015. Collection method: clinical testing. Allele origin: germline. Observed: 169 variant alleles.

GeneDx
Classification: Likely benign. Last evaluated: 2021-06-22. Review status: criteria provided, single submitter. Criteria: GeneDx Variant Classification Process June 2021. Collection method: clinical testing. Allele origin: germline. Affected: yes.

ARUP Laboratories, Molecular Genetics and Genomics, ARUP Laboratories
Classification: Benign. Last evaluated: 2021-01-12. Review status: criteria provided, single submitter. Criteria: ARUP Molecular Germline Variant Investigation Process 2021. Collection method: clinical testing. Allele origin: germline.

Illumina Laboratory Services, Illumina
Classification: Benign for Cerebral arteriopathy, autosomal dominant, with subcortical infarcts and leukoencephalopathy, type 1. Last evaluated: 2018-01-13. Review status: criteria provided, single submitter. Criteria: ICSL Variant Classification Criteria 13 December 2019. Collection method: clinical testing. Allele origin: germline.
Comment: This variant was observed in the ICSL laboratory as part of a predisposition screen in an ostensibly healthy population. It had not been previously curated by ICSL or reported in the Human Gene Mutation Database (HGMD: prior to June 1st, 2018), and was therefore a candidate for classification through an automated scoring system. Utilizing variant allele frequency, disease prevalence and penetrance estimates, and inheritance mode, an automated score was calculated to assess if this variant is too frequent to cause the disease. Based on the score and internal cut-off values, a variant classified as benign is not then subjected to further curation. The score for this variant resulted in a classification of benign for this disease.

Breakthrough Genomics
Classification: Likely benign. Review status: criteria provided, single submitter. Criteria: ACMG Guidelines, 2015. Collection method: not provided. Allele origin: germline. Inheritance: Autosomal dominant inheritance. Affected: yes.

PreventionGenetics, part of Exact Sciences
Classification: Benign. Review status: criteria provided, single submitter. Criteria: ACMG Guidelines, 2015. Collection method: clinical testing. Allele origin: germline.

Clinical Genetics DNA and cytogenetics Diagnostics Lab, Erasmus MC, Erasmus Medical Center
Classification: Benign. Review status: no assertion criteria provided. Collection method: clinical testing. Allele origin: germline. Affected: yes. Study: VKGL Data-share Consensus. Not counted in ClinVar's aggregate classification.

Genome Diagnostics Laboratory, Amsterdam University Medical Center
Classification: Benign. Review status: no assertion criteria provided. Collection method: clinical testing. Allele origin: germline. Affected: yes. Study: VKGL Data-share Consensus. Not counted in ClinVar's aggregate classification.

Laboratory of Diagnostic Genome Analysis, Leiden University Medical Center (LUMC)
Classification: Likely benign. Review status: no assertion criteria provided. Collection method: clinical testing. Allele origin: germline. Affected: yes. Study: VKGL Data-share Consensus. Not counted in ClinVar's aggregate classification.

Literature cited by the submitters: PubMed 24086431 (cited by Athena Diagnostics); PubMed 22153900 (cited by Athena Diagnostics); PubMed 21616505 (cited by Athena Diagnostics); PubMed 25623805 (cited by Athena Diagnostics); PubMed 26856460 (cited by Athena Diagnostics).